The following is an entry in ClinVar:

NM_002317.7(LOX):c.464G>T (p.Ser155Ile)

Genes: LOX (lysyl oxidase; minus strand), SRFBP1 (serum response factor binding protein 1; plus strand). Cytogenetic location: 5q23.1.
Variant type: single nucleotide variant.
Coding change: c.464G>T on transcript NM_002317.7 (MANE Select); coding-DNA position 464, G replaced by T.
Protein change: p.Ser155Ile; replaces serine 155 with isoleucine.
Molecular consequence: missense variant.
Genome position (GRCh38, 1-based): chr5:122,077,522, C>A on the plus strand (G>T on the coding strand, the complement: LOX is on the minus strand). VCF-style: chr5-122077522-C-A. GRCh37 (hg19) VCF-style: chr5-121413217-C-A.
Other names: short protein forms S155I.
Identifiers: ClinVar variation 2562245 (VCV002562245.5), dbSNP rs150023849, ClinGen allele CA125917215.

ClinVar aggregate classification (germline): Uncertain significance. Review status: criteria provided, multiple submitters, no conflicts (2 of 4 stars). 2 submissions from 2 submitters: Uncertain significance (2). Last evaluated 2024-10-16.

Conditions:
Cardiovascular phenotype. Identifiers: MedGen CN230736.

Allele frequency attached by ClinVar (database versions not stated): TOPMed 0.00002; ESP Exome Variant Server 0.00008; gnomAD exomes below 0.00001; gnomAD 0.00001.
gnomAD v4.1: 6 of 1,613,706 alleles (0.00037%); highest among the groups gnomAD compares: Middle Eastern, 0.016%; no homozygotes.

Submissions (2):

Labcorp Genetics (formerly Invitae), Labcorp
Classification: Uncertain significance. Last evaluated: 2024-10-16. Review status: criteria provided, single submitter. Criteria: Invitae Variant Classification Sherloc (09022015). Collection method: clinical testing. Allele origin: germline.
Comment: This sequence change replaces serine, which is neutral and polar, with isoleucine, which is neutral and non-polar, at codon 155 of the LOX protein (p.Ser155Ile). This variant is present in population databases (rs150023849, gnomAD 0.0009%). This variant has not been reported in the literature in individuals affected with LOX-related conditions. ClinVar contains an entry for this variant (Variation ID: 2562245). Invitae Evidence Modeling of protein sequence and biophysical properties (such as structural, functional, and spatial information, amino acid conservation, physicochemical variation, residue mobility, and thermodynamic stability) has been performed for this missense variant. However, the output from this modeling did not meet the statistical confidence thresholds required to predict the impact of this variant on LOX protein function. In summary, the available evidence is currently insufficient to determine the role of this variant in disease. Therefore, it has been classified as a Variant of Uncertain Significance.

Ambry Genetics
Classification: Uncertain significance for Cardiovascular phenotype. Last evaluated: 2023-05-05. Review status: criteria provided, single submitter. Criteria: Ambry Variant Classification Scheme 2023. Collection method: clinical testing. Allele origin: germline.
Comment: The p.S155I variant (also known as c.464G>T), located in coding exon 1 of the LOX gene, results from a G to T substitution at nucleotide position 464. The serine at codon 155 is replaced by isoleucine, an amino acid with dissimilar properties. This amino acid position is not well conserved in available vertebrate species. In addition, this alteration is predicted to be tolerated by in silico analysis. Since supporting evidence is limited at this time, the clinical significance of this alteration remains unclear.